The following is an entry in ClinVar:

ClinVar aggregate classification (germline): Uncertain significance (1 of 4 stars; one submission).

Submission:

GeneDx
Classification: Uncertain significance. Last evaluated: 2024-03-22. Review status: criteria provided, single submitter. Criteria: GeneDx Variant Classification Process June 2021. Collection method: clinical testing. Allele origin: germline. Affected: yes.
Comment: Not observed at significant frequency in large population cohorts (gnomAD); In silico analysis supports that this missense variant does not alter protein structure/function; Has not been previously published as pathogenic or benign to our knowledge

NM_000937.5(POLR2A):c.738G>T (p.Glu246Asp)

Gene: POLR2A (RNA polymerase II subunit A; plus strand). Cytogenetic location: 17p13.1.
Variant type: single nucleotide variant.
Coding change: c.738G>T on transcript NM_000937.5 (MANE Select); coding-DNA position 738, G replaced by T.
Protein change: p.Glu246Asp; replaces glutamic acid 246 with aspartic acid.
Molecular consequence: missense variant.
Genome position (GRCh38, 1-based): chr17:7,496,964, G>T. VCF-style: chr17-7496964-G-T. GRCh37 (hg19) VCF-style: chr17-7400283-G-T.
Other names: short protein forms E246D.
Identifiers: ClinVar variation 3371014 (VCV003371014.1).